The following is an entry in ClinVar:

ClinVar aggregate classification (germline): Likely benign (1 of 4 stars; one submission).

Submission:

CeGaT Center for Human Genetics Tuebingen
Classification: Likely benign. Last evaluated: 2022-11-01. Review status: criteria provided, single submitter. Criteria: CeGaT Center For Human Genetics Tuebingen Variant Classification Criteria Version 2. Collection method: clinical testing. Allele origin: germline. Affected: yes. Observed: 1 variant allele.
Comment: ADSS1: PM2:Supporting, BP4, BP7

NM_152328.5(ADSS1):c.78G>A (p.Ala26=)

Genes: ADSS1 (adenylosuccinate synthase 1; plus strand), LOC130056631 (ATAC-STARR-seq lymphoblastoid silent region 6195; plus strand). Cytogenetic location: 14q32.33.
Variant type: single nucleotide variant.
Coding change: c.78G>A on transcript NM_152328.5 (MANE Select); coding-DNA position 78, G replaced by A.
Protein change: p.Ala26=; no amino-acid change (alanine 26 retained).
Molecular consequence: synonymous variant.
Genome position (GRCh38, 1-based): chr14:104,724,348, G>A. VCF-style: chr14-104724348-G-A. GRCh37 (hg19) VCF-style: chr14-105190685-G-A.
Identifiers: ClinVar variation 2644619 (VCV002644619.24), dbSNP rs2541983793, ClinGen allele CA488451057.
Genomic context (GRCh38, chr14:104,724,348, plus strand): 5'-CTCCAACGACCGGCCCCCCGGCGCAGGCGGCGTCAAGCGGGGGCGGCTGCAGCAGGAGGC[G>A]GCGGCGACCGGCTCCCGCGTGACGGTGGTGCTGGGCGCGCAGTGGGGGGACGAGGGCAAA-3'
Protein context (NP_689541.1, residues 16-36): GVKRGRLQQE[Ala26=]AATGSRVTVV